The following is an entry in ClinVar:

NM_000460.4(THPO):c.*59G>A

Gene: THPO (thrombopoietin; minus strand). Cytogenetic location: 3q27.1.
Variant type: single nucleotide variant.
Coding change: c.*59G>A on transcript NM_000460.4 (MANE Select); 59 bases downstream of the stop codon, G replaced by A.
Molecular consequence: 3 prime UTR variant.
Genome position (GRCh38, 1-based): chr3:184,372,454, C>T on the plus strand (G>A on the coding strand, the complement: THPO is on the minus strand). VCF-style: chr3-184372454-C-T. GRCh37 (hg19) VCF-style: chr3-184090242-C-T.
Other names: c.*59G>A (LRG_580t1, NM_001177597.2, NM_001289998.1 and 3 more transcripts); c.*144G>A (NM_001177598.2, NM_001289997.1, NM_001290026.1 and 1 more transcripts).
Identifiers: ClinVar variation 344368 (VCV000344368.7), dbSNP rs78565404, ClinGen allele CA10615898.

ClinVar aggregate classification (germline): Benign. Review status: criteria provided, multiple submitters, no conflicts (2 of 4 stars). 3 submissions from 3 submitters: Benign (3). Last evaluated 2018-11-27.

Conditions:
Thrombocythemia 1 (THCYT1). Also called: THROMBOCYTOSIS 1; THROMBOCYTHEMIA, SOMATIC. Identifiers: MedGen C3277671, MONDO:0008554, OMIM 187950.

Allele frequency attached by ClinVar (database versions not stated): gnomAD exomes 0.05646; 1000 Genomes Project 0.06190; gnomAD 0.06264 and 0.06355; 1000 Genomes Project 30x 0.06418; TOPMed 0.06712.

Submissions (3):

GeneDx
Classification: Benign. Last evaluated: 2018-11-27. Review status: criteria provided, single submitter. Criteria: GeneDx Variant Classification Process June 2021. Collection method: clinical testing. Allele origin: germline. Affected: yes.
Comment: This variant is associated with the following publications: (PMID: 27668658)

Illumina Laboratory Services, Illumina
Classification: Benign for Thrombocythemia 1. Last evaluated: 2018-01-13. Review status: criteria provided, single submitter. Criteria: ICSL Variant Classification Criteria 13 December 2019. Collection method: clinical testing. Allele origin: germline.
Comment: This variant was observed in the ICSL laboratory as part of a predisposition screen in an ostensibly healthy population. It had not been previously curated by ICSL or reported in the Human Gene Mutation Database (HGMD: prior to June 1st, 2018), and was therefore a candidate for classification through an automated scoring system. Utilizing variant allele frequency, disease prevalence and penetrance estimates, and inheritance mode, an automated score was calculated to assess if this variant is too frequent to cause the disease. Based on the score and internal cut-off values, a variant classified as benign is not then subjected to further curation. The score for this variant resulted in a classification of benign for this disease.

Breakthrough Genomics
Classification: Benign. Review status: criteria provided, single submitter. Criteria: ACMG Guidelines, 2015. Collection method: not provided. Allele origin: germline. Inheritance: Autosomal dominant inheritance. Affected: yes.